The following is an entry in ClinVar:

NM_001130987.2(DYSF):c.3757-12C>T

Gene: DYSF (dysferlin; plus strand). Cytogenetic location: 2p13.2.
Variant type: single nucleotide variant.
Coding change: c.3757-12C>T on transcript NM_001130987.2 (MANE Select); 12 bases into the intron before coding-DNA position 3757, C replaced by T.
Molecular consequence: intron variant.
Genome position (GRCh38, 1-based): chr2:71,600,690, C>T. VCF-style: chr2-71600690-C-T. GRCh37 (hg19) VCF-style: chr2-71827820-C-T.
Other names: c.3796-12C>T (NM_001130979.2); c.3754-12C>T (NM_001130981.2, NM_001130980.2); c.3703-12C>T (NM_001130978.2, NM_003494.4); c.3661-12C>T (NM_001130977.2, NM_001130976.2); c.3799-12C>T (NM_001130982.2); c.3757-12C>T (NM_001130985.2); c.3706-12C>T (NM_001130983.2, NM_001130455.2); c.3664-12C>T (NM_001130984.2, NM_001130986.2).
Identifiers: ClinVar variation 94310 (VCV000094310.25), dbSNP rs114968209, ClinGen allele CA147746.

ClinVar aggregate classification (germline): Benign/Likely benign. Review status: criteria provided, multiple submitters, no conflicts (2 of 4 stars). 11 submissions from 11 submitters: Benign (5); Likely benign (4). 2 of the submissions do not count toward it. Last evaluated 2026-02-04.

Conditions:
Neuromuscular disease caused by qualitative or quantitative defects of dysferlin. Also called: Qualitative or quantitative defects of dysferlin; Dysferlinopathy. Identifiers: Orphanet 207073, MedGen C2931687, MONDO:0016145.

Allele frequency attached by ClinVar (database versions not stated): gnomAD exomes 0.00598; ExAC 0.00601; 1000 Genomes Project 0.00919; gnomAD 0.00920 and 0.00943; ESP Exome Variant Server 0.01000; TOPMed 0.01073; 1000 Genomes Project 30x 0.01124.
gnomAD v4.1: 10,093 of 1,614,068 alleles (0.63%); highest among the groups gnomAD compares: Middle Eastern, 1.7%; 51 homozygotes.

Submissions (11):

Labcorp Genetics (formerly Invitae), Labcorp
Classification: Benign for Neuromuscular disease caused by qualitative or quantitative defects of dysferlin. Last evaluated: 2026-02-04. Review status: criteria provided, single submitter. Criteria: Invitae Variant Classification Sherloc (09022015). Collection method: clinical testing. Allele origin: germline.

Genomic Medicine Center of Excellence, King Faisal Specialist Hospital and Research Centre
Classification: Likely benign. Last evaluated: 2025-08-18. Review status: criteria provided, single submitter. Criteria: ACMG Guidelines, 2015. Collection method: clinical testing. Allele origin: germline.

Blueprint Genetics
Classification: Likely benign. Last evaluated: 2024-11-25. Review status: criteria provided, single submitter. Criteria: ACMG Guidelines, 2015. Collection method: clinical testing. Allele origin: germline.

Illumina Laboratory Services, Illumina
Classification: Likely benign for Qualitative or quantitative defects of dysferlin. Last evaluated: 2017-04-27. Review status: criteria provided, single submitter. Criteria: ICSL Variant Classification Criteria 13 December 2019. Collection method: clinical testing. Allele origin: germline.
Comment: This variant was observed as part of a predisposition screen in an ostensibly healthy population. A literature search was performed for the gene, cDNA change, and amino acid change (where applicable). No publications were found based on this search. Allele frequency data from public databases allowed determination this variant is unlikely to cause disease. Therefore, this variant is classified as likely benign.

GeneDx
Classification: Benign. Last evaluated: 2016-03-03. Review status: criteria provided, single submitter. Criteria: GeneDx Variant Classification (06012015). Collection method: clinical testing. Allele origin: germline. Affected: yes.
Comment: This variant is considered likely benign or benign based on one or more of the following criteria: it is a conservative change, it occurs at a poorly conserved position in the protein, it is predicted to be benign by multiple in silico algorithms, and/or has population frequency not consistent with disease.

Laboratory for Molecular Medicine, Mass General Brigham Personalized Medicine
Classification: Benign. Last evaluated: 2015-01-13. Review status: criteria provided, single submitter. Criteria: LMM Criteria. Collection method: clinical testing. Allele origin: germline. Observed: 2 variant alleles.
Comment: c.3757-12C>T in intron 33 of DYSF: This variant is not expected to have clinical significance because it has been identified in 1.7% (73/4406) of African Americ an chromosomes from a broad population by the NHLBI Exome Sequencing Project (dbSNP rs114968209).

Eurofins Ntd Llc (ga)
Classification: Benign. Last evaluated: 2012-10-17. Review status: criteria provided, single submitter. Criteria: EGL Classification Definitions 2015. Collection method: clinical testing. Allele origin: germline. Observed: 2 variant alleles, 2 heterozygotes.

Breakthrough Genomics
Classification: Likely benign. Review status: criteria provided, single submitter. Criteria: ACMG Guidelines, 2015. Collection method: not provided. Allele origin: germline. Inheritance: Autosomal recessive inheritance. Affected: yes.

PreventionGenetics, part of Exact Sciences
Classification: Benign. Review status: criteria provided, single submitter. Criteria: ACMG Guidelines, 2015. Collection method: clinical testing. Allele origin: germline.

Clinical Genetics, Academic Medical Center
Classification: Likely benign. Review status: no assertion criteria provided. Collection method: clinical testing. Allele origin: germline. Affected: yes. Study: VKGL Data-share Consensus. Not counted in ClinVar's aggregate classification.

Genome Diagnostics Laboratory, University Medical Center Utrecht
Classification: Benign. Review status: no assertion criteria provided. Collection method: clinical testing. Allele origin: germline. Affected: yes. Study: VKGL Data-share Consensus. Not counted in ClinVar's aggregate classification.